The following is an entry in ClinVar:

NM_173543.3(DZIP1L):c.1825G>A (p.Gly609Arg)

Gene: DZIP1L (DAZ interacting zinc finger protein 1 like; minus strand). Cytogenetic location: 3q22.3.
Variant type: single nucleotide variant.
Coding change: c.1825G>A on transcript NM_173543.3 (MANE Select); coding-DNA position 1825, G replaced by A.
Protein change: p.Gly609Arg; replaces glycine 609 with arginine.
Molecular consequence: missense variant.
Genome position (GRCh38, 1-based): chr3:138,068,158, C>T on the plus strand (G>A on the coding strand, the complement: DZIP1L is on the minus strand). VCF-style: chr3-138068158-C-T. GRCh37 (hg19) VCF-style: chr3-137787000-C-T.
Other names: short protein forms G609R.
Identifiers: ClinVar variation 2409670 (VCV002409670.3), dbSNP rs532478266, ClinGen allele CA2634786.

ClinVar aggregate classification (germline): Uncertain significance. Review status: criteria provided, multiple submitters, no conflicts (2 of 4 stars). 2 submissions from 2 submitters: Uncertain significance (2). Last evaluated 2024-10-01.

Conditions:
Inborn genetic diseases. Identifiers: MedGen C0950123, MeSH D030342.
Polycystic kidney disease 5. Identifiers: MedGen C4539903, MONDO:0033281, OMIM 617610.

Allele frequency attached by ClinVar (database versions not stated): TOPMed 0.00003; gnomAD 0.00006; 1000 Genomes Project 30x 0.00031; 1000 Genomes Project 0.00040.
gnomAD v4.1: 120 of 1,504,022 alleles (0.008%); highest among the groups gnomAD compares: South Asian, 0.1%; no homozygotes.

Submissions (2):

Ambry Genetics
Classification: Uncertain significance for Inborn genetic diseases. Last evaluated: 2024-10-01. Review status: criteria provided, single submitter. Criteria: Ambry Variant Classification Scheme 2023. Collection method: clinical testing. Allele origin: germline.

Neuberg Centre For Genomic Medicine, NCGM
Classification: Uncertain significance for Polycystic kidney disease 5. Review status: criteria provided, single submitter. Criteria: ACMG Guidelines, 2015. Collection method: clinical testing. Allele origin: germline. Inheritance: Autosomal recessive inheritance. Affected: yes.
Comment: The missense variant p.G609R in DZIP1L (NM_173543.3) has not been reported previously as a pathogenic variant nor as a benign variant, to our knowledge. The p.G609R variant is observed in 2/978 (0.2045%) alleles from individuals of South Asian background in 1000 Genomes, which is greater than expected for the disorder. There is a moderate physicochemical difference between glycine and arginine. In silico tools predict the variant to be tolerated. The residue is conserved across species. The amino acid change p.Gly609Arg in DZIP1L is predicted as conserved by GERP++ and PhyloP across 100 vertebrates. For these reasons, this variant has been classified as Uncertain Significance